The following is an entry in ClinVar:

NM_018341.3(ERMARD):c.33_34del (p.Cys12fs)

Gene: ERMARD (ER membrane associated RNA degradation; plus strand). Cytogenetic location: 6q27.
Variant type: Deletion.
Coding change: c.33_34del on transcript NM_018341.3 (MANE Select); coding-DNA positions 33 to 34, 2 bases deleted (AT; older notation c.33_34delAT).
Protein change: p.Cys12fs; shifts the reading frame from cysteine 12.
Molecular consequence: frameshift variant. On other transcripts: intron variant (1).
Genome position (GRCh38, 1-based): chr6:169,753,890-169,753,891, AT deleted. VCF-style (leftmost placement, unchanged base first): chr6-169753889-CAT-C. GRCh37 (hg19) VCF-style: chr6-170153985-CAT-C.
Other names: c.33_34del, p.Cys12fs (NM_001278531.2, NM_001278533.2); c.-203-1393_-203-1392del (NM_001278532.2); short protein forms C12fs.
Identifiers: ClinVar variation 1711651 (VCV001711651.34), dbSNP rs747627800, ClinGen allele CA4105712.
Genomic context (GRCh38, chr6:169,753,889, plus strand): 5'-TTAAGCAGTGCCTTTTATTTTATTTTATTTTTTAGGTATTAATAGGGGACCCTATTACCA[CAT>C]GTCTTTCTCCCTCAGTGTATGATATAATTTGTAATCTTGGGTTTCAACTCAGAGAAAATT-3'

ClinVar aggregate classification (germline): Conflicting classifications of pathogenicity. Review status: criteria provided, conflicting classifications (1 of 4 stars). 2 submissions from 2 submitters: Uncertain significance (1); Likely benign (1). Last evaluated 2025-09-09.

Allele frequency attached by ClinVar (database versions not stated): gnomAD 0.00014; ESP Exome Variant Server 0.00016; TOPMed 0.00025; gnomAD exomes 0.00028; ExAC 0.00042.

Submissions (2):

Labcorp Genetics (formerly Invitae), Labcorp
Classification: Uncertain significance. Last evaluated: 2025-09-09. Review status: criteria provided, single submitter. Criteria: Invitae Variant Classification Sherloc (09022015). Collection method: clinical testing. Allele origin: germline.
Comment: This sequence change creates a premature translational stop signal (p.Cys12Serfs*7) in the ERMARD gene. It is expected to result in an absent or disrupted protein product. However, the current clinical and genetic evidence is not sufficient to establish whether loss-of-function variants in ERMARD cause disease. This variant is present in population databases (rs747627800, gnomAD 0.07%), and has an allele count higher than expected for a pathogenic variant. This variant has not been reported in the literature in individuals affected with ERMARD-related conditions. ClinVar contains an entry for this variant (Variation ID: 1711651). In summary, the available evidence is currently insufficient to determine the role of this variant in disease. Therefore, it has been classified as a Variant of Uncertain Significance.

CeGaT Center for Human Genetics Tuebingen
Classification: Likely benign. Last evaluated: 2022-09-01. Review status: criteria provided, single submitter. Criteria: CeGaT Center For Human Genetics Tuebingen Variant Classification Criteria Version 2. Collection method: clinical testing. Allele origin: germline. Affected: yes. Observed: 1 variant allele.
Comment: ERMARD: BS1